The following is an entry in ClinVar:

NM_174916.3(UBR1):c.3700C>T (p.Arg1234Trp)

Gene: UBR1 (ubiquitin protein ligase E3 component n-recognin 1; minus strand). Cytogenetic location: 15q15.2.
Variant type: single nucleotide variant.
Coding change: c.3700C>T on transcript NM_174916.3 (MANE Select); coding-DNA position 3700, C replaced by T.
Protein change: p.Arg1234Trp; replaces arginine 1234 with tryptophan.
Molecular consequence: missense variant.
Genome position (GRCh38, 1-based): chr15:42,998,225, G>A on the plus strand (C>T on the coding strand, the complement: UBR1 is on the minus strand). VCF-style: chr15-42998225-G-A. GRCh37 (hg19) VCF-style: chr15-43290423-G-A.
Other names: short protein forms R1234W.
Identifiers: ClinVar variation 1485254 (VCV001485254.3), dbSNP rs770295197, ClinGen allele CA7518108.
Genomic context (GRCh38, chr15:42,998,225, plus strand): 5'-AACCTTTAGCATGTCTTATATTATAACCTGATATTCTGGCCAGAACAGTCTGTATCCACC[G>A]TGCCAGGGTCAAAAGTTGAGCAAGAGCATCTGCATTCTCACTGAAAAATGATATTTAAAA-3'
Protein context (NP_777576.1, residues 1224-1244): DALAQLLTLA[Arg1234Trp]WIQTVLARIS

ClinVar aggregate classification (germline): Uncertain significance (1 of 4 stars; one submission).

gnomAD v4.1: 26 of 1,613,784 alleles (0.0016%); highest among the groups gnomAD compares: Middle Eastern, 0.016%; no homozygotes.

Submission:

Labcorp Genetics (formerly Invitae), Labcorp
Classification: Uncertain significance. Last evaluated: 2021-12-02. Review status: criteria provided, single submitter. Criteria: Invitae Variant Classification Sherloc (09022015). Collection method: clinical testing. Allele origin: germline.
Comment: This sequence change replaces arginine, which is basic and polar, with tryptophan, which is neutral and slightly polar, at codon 1234 of the UBR1 protein (p.Arg1234Trp). This variant is present in population databases (rs770295197, gnomAD 0.006%). This variant has not been reported in the literature in individuals affected with UBR1-related conditions. Algorithms developed to predict the effect of missense changes on protein structure and function are either unavailable or do not agree on the potential impact of this missense change (SIFT: "Deleterious"; PolyPhen-2: "Benign"; Align-GVGD: "Class C0"). In summary, the available evidence is currently insufficient to determine the role of this variant in disease. Therefore, it has been classified as a Variant of Uncertain Significance.